The following is an entry in ClinVar:

NM_006612.6(KIF1C):c.2371G>A (p.Gly791Ser)

Gene: KIF1C (kinesin family member 1C; plus strand). Cytogenetic location: 17p13.2.
Variant type: single nucleotide variant.
Coding change: c.2371G>A on transcript NM_006612.6 (MANE Select); coding-DNA position 2371, G replaced by A.
Protein change: p.Gly791Ser; replaces glycine 791 with serine.
Molecular consequence: missense variant.
Genome position (GRCh38, 1-based): chr17:5,022,452, G>A. VCF-style: chr17-5022452-G-A. GRCh37 (hg19) VCF-style: chr17-4925747-G-A.
Other names: short protein forms G791S.
Identifiers: ClinVar variation 2081274 (VCV002081274.9), dbSNP rs540945645, ClinGen allele CA8319281.

ClinVar aggregate classification (germline): Uncertain significance. Review status: criteria provided, multiple submitters, no conflicts (2 of 4 stars). 2 submissions from 2 submitters: Uncertain significance (2). Last evaluated 2025-04-01.

Conditions:
Spastic ataxia 2. Also called: Ataxia, spastic, 2, autosomal recessive. Identifiers: Orphanet 397946, MedGen C1969796, MONDO:0012651, OMIM 611302.

Allele frequency attached by ClinVar (database versions not stated): gnomAD exomes 0.00001; ExAC 0.00003; gnomAD 0.00003; TOPMed 0.00003; 1000 Genomes Project 30x 0.00016; 1000 Genomes Project 0.00020.
gnomAD v4.1: 12 of 1,584,140 alleles (0.00076%); highest among the groups gnomAD compares: Middle Eastern, 0.017%; no homozygotes.

Submissions (2):

CeGaT Center for Human Genetics Tuebingen
Classification: Uncertain significance. Last evaluated: 2025-04-01. Review status: criteria provided, single submitter. Criteria: CeGaT Center For Human Genetics Tuebingen Variant Classification Criteria Version 2. Collection method: clinical testing. Allele origin: germline. Affected: yes. Observed: 1 variant allele.
Comment: KIF1C: PM2

Labcorp Genetics (formerly Invitae), Labcorp
Classification: Uncertain significance for Spastic ataxia 2. Last evaluated: 2025-03-17. Review status: criteria provided, single submitter. Criteria: Invitae Variant Classification Sherloc (09022015). Collection method: clinical testing. Allele origin: germline.
Comment: This sequence change replaces glycine, which is neutral and non-polar, with serine, which is neutral and polar, at codon 791 of the KIF1C protein (p.Gly791Ser). This variant is present in population databases (rs540945645, gnomAD 0.009%). This variant has not been reported in the literature in individuals affected with KIF1C-related conditions. ClinVar contains an entry for this variant (Variation ID: 2081274). An algorithm developed to predict the effect of missense changes on protein structure and function (PolyPhen-2) suggests that this variant is likely to be tolerated. In summary, the available evidence is currently insufficient to determine the role of this variant in disease. Therefore, it has been classified as a Variant of Uncertain Significance.